The following is an entry in ClinVar:

NM_001122659.3(EDNRB):c.193T>C (p.Ser65Pro)

Gene: EDNRB (endothelin receptor type B; minus strand). Cytogenetic location: 13q22.3.
Variant type: single nucleotide variant.
Coding change: c.193T>C on transcript NM_001122659.3 (MANE Select); coding-DNA position 193, T replaced by C.
Protein change: p.Ser65Pro; replaces serine 65 with proline.
Molecular consequence: missense variant.
Genome position (GRCh38, 1-based): chr13:77,918,381, A>G on the plus strand (T>C on the coding strand, the complement: EDNRB is on the minus strand). VCF-style: chr13-77918381-A-G. GRCh37 (hg19) VCF-style: chr13-78492516-A-G.
Other names: c.193T>C, p.Ser65Pro (NM_000115.5, NM_003991.4); c.463T>C, p.Ser155Pro (NM_001201397.2); short protein forms S155P, S65P.
Identifiers: ClinVar variation 2849307 (VCV002849307.3), dbSNP rs2501609675, ClinGen allele CA388452852.

ClinVar aggregate classification (germline): Uncertain significance (1 of 4 stars; one submission).

Allele frequency attached by ClinVar (database versions not stated): gnomAD exomes below 0.00001.
gnomAD v4.1: 1 of 1,605,640 alleles (0.000062%); highest among the groups gnomAD compares: Non-Finnish European, 0.000085%; no homozygotes.

Submission:

Labcorp Genetics (formerly Invitae), Labcorp
Classification: Uncertain significance. Last evaluated: 2024-10-15. Review status: criteria provided, single submitter. Criteria: Invitae Variant Classification Sherloc (09022015). Collection method: clinical testing. Allele origin: germline.
Comment: This sequence change replaces serine, which is neutral and polar, with proline, which is neutral and non-polar, at codon 65 of the EDNRB protein (p.Ser65Pro). This variant is not present in population databases (gnomAD no frequency). This variant has not been reported in the literature in individuals affected with EDNRB-related conditions. An algorithm developed to predict the effect of missense changes on protein structure and function outputs the following: PolyPhen-2: "Benign". The proline amino acid residue is found in multiple mammalian species, which suggests that this missense change does not adversely affect protein function. In summary, the available evidence is currently insufficient to determine the role of this variant in disease. Therefore, it has been classified as a Variant of Uncertain Significance.